The following is an entry in ClinVar:

ClinVar aggregate classification (germline): Benign/Likely benign. Review status: criteria provided, multiple submitters, no conflicts (2 of 4 stars). 6 submissions from 6 submitters: Benign (4); Likely benign (2). Last evaluated 2025-11-06.

Conditions:
Tuberous sclerosis 1 (TSC1). Identifiers: Orphanet 805, MedGen C1854465, MONDO:0008612, OMIM 191100.
Hereditary cancer-predisposing syndrome. Also called: Hereditary neoplastic syndrome; Neoplastic Syndromes, Hereditary; Tumor predisposition; Hereditary Cancer Syndrome. Identifiers: Orphanet 140162, MedGen C0027672, MeSH D009386, MONDO:0015356.
Tuberous sclerosis syndrome (TSC). Also called: Tuberous Sclerosis Complex; Tuberous sclerosis. Identifiers: Orphanet 805, MedGen C0041341, MONDO:0001734.

Allele frequency attached by ClinVar (database versions not stated): gnomAD exomes 0.00001 and 0.00003; TOPMed 0.00001; ExAC 0.00002; gnomAD 0.00002.
gnomAD v4.1: 16 of 1,611,606 alleles (0.00099%); highest among the groups gnomAD compares: East Asian, 0.029%; no homozygotes.

Submissions (6):

Labcorp Genetics (formerly Invitae), Labcorp
Classification: Benign for Tuberous sclerosis 1. Last evaluated: 2025-11-06. Review status: criteria provided, single submitter. Criteria: Invitae Variant Classification Sherloc (09022015). Collection method: clinical testing. Allele origin: germline.

Myriad Genetics, Inc.
Classification: Benign for Tuberous sclerosis 1. Last evaluated: 2025-04-09. Review status: criteria provided, single submitter. Criteria: Myriad Autosomal Dominant, Autosomal Recessive and X-Linked Classification Criteria (2023). Collection method: clinical testing. Allele origin: unknown.
Comment: This variant is considered benign. This variant is a silent/synonymous amino acid change and it is not expected to impact splicing.

All of Us Research Program, National Institutes of Health
Classification: Benign for Tuberous sclerosis syndrome. Last evaluated: 2024-05-14. Review status: criteria provided, single submitter. Criteria: ACMG Guidelines, 2015. Collection method: clinical testing. Allele origin: germline. Inheritance: Autosomal dominant inheritance. Observed: 3 variant alleles, 3 heterozygotes.
Comment: This study involves interpretation of variants in research participants for the purpose of population health screening. Participant phenotype was not available at the time of variant classification. Additional details can be found in publication PMID: 35346344, PMCID: PMC8962531

Genome-Nilou Lab
Classification: Benign for Tuberous sclerosis 1. Last evaluated: 2021-11-07. Review status: criteria provided, single submitter. Criteria: ACMG Guidelines, 2015. Collection method: clinical testing. Allele origin: germline. Affected: no.

GeneDx
Classification: Likely benign. Last evaluated: 2021-04-26. Review status: criteria provided, single submitter. Criteria: GeneDx Variant Classification Process June 2021. Collection method: clinical testing. Allele origin: germline. Affected: yes.

Ambry Genetics
Classification: Likely benign for Hereditary cancer-predisposing syndrome. Last evaluated: 2020-11-13. Review status: criteria provided, single submitter. Criteria: Ambry Variant Classification Scheme 2023. Collection method: clinical testing. Allele origin: germline.

NM_000368.5(TSC1):c.1020A>G (p.Glu340=)

Gene: TSC1 (TSC complex subunit 1; minus strand). Cytogenetic location: 9q34.13.
Variant type: single nucleotide variant.
Coding change: c.1020A>G on transcript NM_000368.5 (MANE Select); coding-DNA position 1020, A replaced by G.
Protein change: p.Glu340=; no amino-acid change (glutamic acid 340 retained).
Molecular consequence: synonymous variant.
Genome position (GRCh38, 1-based): chr9:132,911,462, T>C on the plus strand (A>G on the coding strand, the complement: TSC1 is on the minus strand). VCF-style: chr9-132911462-T-C. GRCh37 (hg19) VCF-style: chr9-135786849-T-C.
Other names: c.1020A>G, p.Glu340= (NM_001162426.2); c.867A>G, p.Glu289= (NM_001162427.2); c.657A>G, p.Glu219= (NM_001362177.2).
Identifiers: ClinVar variation 466002 (VCV000466002.22), dbSNP rs760233114, ClinGen allele CA026728.